The following is an entry in ClinVar:

ClinVar aggregate classification (germline): Conflicting classifications of pathogenicity. Review status: criteria provided, conflicting classifications (1 of 4 stars). 3 submissions from 3 submitters: Pathogenic (1); Likely pathogenic (1); Uncertain significance (1). Last evaluated 2025-12-14.

Conditions:
NDUFV1-related disorder. Also called: NDUFV1-related condition; NDUFV1-related disorders.

gnomAD v4.1: 14 of 1,614,206 alleles (0.00087%); highest among the groups gnomAD compares: Admixed American, 0.0067%; no homozygotes.

Submissions (3):

Labcorp Genetics (formerly Invitae), Labcorp
Classification: Pathogenic. Last evaluated: 2025-12-14. Review status: criteria provided, single submitter. Criteria: Invitae Variant Classification Sherloc (09022015). Collection method: clinical testing. Allele origin: germline.
Comment: This sequence change replaces leucine, which is neutral and non-polar, with proline, which is neutral and non-polar, at codon 53 of the NDUFV1 protein (p.Leu53Pro). This variant is present in population databases (rs772508115, gnomAD 0.009%). This missense change has been observed in individual(s) with mitochondrial complex I deficiency (PMID: 25615419). In at least one individual the data is consistent with being in trans (on the opposite chromosome) from a pathogenic variant. It has also been observed to segregate with disease in related individuals. ClinVar contains an entry for this variant (Variation ID: 3385057). Invitae Evidence Modeling of protein sequence and biophysical properties (such as structural, functional, and spatial information, amino acid conservation, physicochemical variation, residue mobility, and thermodynamic stability) indicates that this missense variant is expected to disrupt NDUFV1 protein function with a positive predictive value of 95%. For these reasons, this variant has been classified as Pathogenic.

Women's Health and Genetics/Laboratory Corporation of America, LabCorp
Classification: Uncertain significance. Last evaluated: 2024-10-28. Review status: criteria provided, single submitter. Criteria: LabCorp Variant Classification Summary - May 2015. Collection method: clinical testing. Allele origin: germline.
Comment: Variant summary: NDUFV1 c.158T>C (p.Leu53Pro) results in a non-conservative amino acid change in the encoded protein sequence. Five of five in-silico tools predict a damaging effect of the variant on protein function. Consensus agreement among computation tools predict no significant impact on normal splicing. However, these predictions have yet to be confirmed by functional studies. The variant allele was found at a frequency of 3.6e-05 in 251496 control chromosomes. c.158T>C has been reported in the literature in compound heterozygous individuals affected with complex I deficiency with mild clinical course (e.g. Bjorkman_2015). These data indicate that the variant may be associated with disease. To our knowledge, no experimental evidence demonstrating an impact on protein function has been reported. The following publications have been ascertained in the context of this evaluation (PMID: 25615419). No submitters have cited clinical-significance assessments for this variant to ClinVar. Based on the evidence outlined above, the variant was classified as VUS-possibly pathogenic.

Blueprint Genetics
Classification: Likely pathogenic for NDUFV1-related disorders. Last evaluated: 2022-07-17. Review status: criteria provided, single submitter. Criteria: ACMG Guidelines, 2015. Collection method: clinical testing. Allele origin: germline. Affected: yes. Observed: 1 variant allele.

Literature cited by the submitters: PubMed 25615419 (cited by Labcorp Genetics (formerly Invitae), Labcorp and Women's Health and Genetics/Laboratory Corporation of America, LabCorp); PubMed 23623855 (cited by Women's Health and Genetics/Laboratory Corporation of America, LabCorp).

NM_007103.4(NDUFV1):c.158T>C (p.Leu53Pro)

Gene: NDUFV1 (NADH:ubiquinone oxidoreductase core subunit V1; plus strand). Cytogenetic location: 11q13.2.
Variant type: single nucleotide variant.
Coding change: c.158T>C on transcript NM_007103.4 (MANE Select); coding-DNA position 158, T replaced by C.
Protein change: p.Leu53Pro; replaces leucine 53 with proline.
Molecular consequence: missense variant.
Genome position (GRCh38, 1-based): chr11:67,608,554, T>C. VCF-style: chr11-67608554-T-C. GRCh37 (hg19) VCF-style: chr11-67376025-T-C.
Other names: c.131T>C, p.Leu44Pro (NM_001166102.2); short protein forms L44P, L53P.
Identifiers: ClinVar variation 3385057 (VCV003385057.3).
Genomic context (GRCh38, chr11:67,608,554, plus strand): 5'-TAGTGTGTTGGGTCCCGGAGCAAGGTGTCCCCTTCATTGCCTTCCCTATTCTGTCCAGGC[T>C]GAAAGGTTCCCTGAGTCGAGGTGACTGGTACAAGACAAAGGAGATCCTGCTGAAGGGGCC-3'
Protein context (NP_009034.2, residues 43-63): TNLYGRHDWR[Leu53Pro]KGSLSRGDWY